The following is an entry in ClinVar:

NM_000260.4(MYO7A):c.783T>C (p.Gly261=)

Gene: MYO7A (myosin VIIA; plus strand). Cytogenetic location: 11q13.5.
Variant type: single nucleotide variant.
Coding change: c.783T>C on transcript NM_000260.4 (MANE Select); coding-DNA position 783, T replaced by C.
Protein change: p.Gly261=; no amino-acid change (glycine 261 retained).
Molecular consequence: synonymous variant.
Genome position (GRCh38, 1-based): chr11:77,157,326, T>C. VCF-style: chr11-77157326-T-C. GRCh37 (hg19) VCF-style: chr11-76868372-T-C.
Other names: p.Gly261=; c.783T>C, p.Gly261= (NM_001127180.2); c.750T>C, p.Gly250= (NM_001369365.1).
Identifiers: ClinVar variation 43343 (VCV000043343.32), dbSNP rs762667, ClinGen allele CA132452.

ClinVar aggregate classification (germline): Benign. Review status: criteria provided, multiple submitters, no conflicts (2 of 4 stars). 17 submissions from 13 submitters: Benign (16). 1 of the submissions does not count toward it. Last evaluated 2026-02-04.

Conditions:
Usher syndrome type 1 (USH1). Also called: RETINITIS PIGMENTOSA AND CONGENITAL DEAFNESS. Identifiers: Orphanet 231169, Orphanet 886, MedGen C1568247, MONDO:0010168, OMIM 276900.
Autosomal dominant nonsyndromic hearing loss 11. Identifiers: Orphanet 90635, MedGen C1832475, MONDO:0011032, OMIM 601317.
Autosomal recessive nonsyndromic hearing loss 2. Also called: DEAFNESS, AUTOSOMAL RECESSIVE 2; NEUROSENSORY NONSYNDROMIC RECESSIVE DEAFNESS 2. Identifiers: Orphanet 90636, MedGen C1838701, MONDO:0010807, OMIM 600060.
Usher syndrome type 1B (USH1B). Also called: Usher syndrome type IB. Identifiers: MedGen C1848638, MONDO:0700087.

Allele frequency attached by ClinVar (database versions not stated): 1000 Genomes Project 0.47404; ESP Exome Variant Server 0.47559; 1000 Genomes Project 30x 0.48235; TOPMed 0.49843; gnomAD 0.50077.
gnomAD v4.1: 609,905 of 1,610,282 alleles (38%); highest among the groups gnomAD compares: African/African-American, 77%; 123,664 homozygotes.

Submissions (17):

Labcorp Genetics (formerly Invitae), Labcorp
Classification: Benign. Last evaluated: 2026-02-04. Review status: criteria provided, single submitter. Criteria: Invitae Variant Classification Sherloc (09022015). Collection method: clinical testing. Allele origin: germline.

Women's Health and Genetics/Laboratory Corporation of America, LabCorp
Classification: Benign. Last evaluated: 2025-05-22. Review status: criteria provided, single submitter. Criteria: LabCorp Variant Classification Summary - May 2015. Collection method: clinical testing. Allele origin: germline.

Blueprint Genetics
Classification: Benign. Last evaluated: 2024-11-27. Review status: criteria provided, single submitter. Criteria: ACMG Guidelines, 2015. Collection method: clinical testing. Allele origin: germline.

Fulgent Genetics
Classification: Benign for Usher syndrome type 1; Autosomal recessive nonsyndromic hearing loss 2; Autosomal dominant nonsyndromic hearing loss 11. Last evaluated: 2021-08-11. Review status: criteria provided, single submitter. Criteria: ACMG Guidelines, 2015. Collection method: clinical testing. Allele origin: unknown.

Genome-Nilou Lab
Classification: Benign for Autosomal recessive nonsyndromic hearing loss 2. Last evaluated: 2021-07-01. Review status: criteria provided, single submitter. Criteria: ACMG Guidelines, 2015. Collection method: clinical testing. Allele origin: germline. Affected: no.

Genome-Nilou Lab
Classification: Benign for Usher syndrome type 1. Last evaluated: 2021-07-01. Review status: criteria provided, single submitter. Criteria: ACMG Guidelines, 2015. Collection method: clinical testing. Allele origin: germline. Affected: no.

Genome-Nilou Lab
Classification: Benign for Autosomal dominant nonsyndromic hearing loss 11. Last evaluated: 2021-07-01. Review status: criteria provided, single submitter. Criteria: ACMG Guidelines, 2015. Collection method: clinical testing. Allele origin: germline. Affected: no.

Mayo Clinic Laboratories, Mayo Clinic
Classification: Benign. Last evaluated: 2020-08-27. Review status: criteria provided, single submitter. Criteria: ACMG Guidelines, 2015. Collection method: clinical testing. Allele origin: germline. Observed: 114 variant alleles.

Illumina Laboratory Services, Illumina
Classification: Benign for Autosomal dominant nonsyndromic hearing loss 11. Last evaluated: 2018-01-13. Review status: criteria provided, single submitter. Criteria: ICSL Variant Classification Criteria 13 December 2019. Collection method: clinical testing. Allele origin: germline.
Comment: This variant was observed in the ICSL laboratory as part of a predisposition screen in an ostensibly healthy population. It had not been previously curated by ICSL or reported in the Human Gene Mutation Database (HGMD: prior to June 1st, 2018), and was therefore a candidate for classification through an automated scoring system. Utilizing variant allele frequency, disease prevalence and penetrance estimates, and inheritance mode, an automated score was calculated to assess if this variant is too frequent to cause the disease. Based on the score and internal cut-off values, a variant classified as benign is not then subjected to further curation. The score for this variant resulted in a classification of benign for this disease.

Illumina Laboratory Services, Illumina
Classification: Benign for Autosomal recessive nonsyndromic hearing loss 2. Last evaluated: 2018-01-13. Review status: criteria provided, single submitter. Criteria: ICSL Variant Classification Criteria 13 December 2019. Collection method: clinical testing. Allele origin: germline.
Comment: the same text as in the submission from Illumina Laboratory Services, Illumina above.

Illumina Laboratory Services, Illumina
Classification: Benign for Usher syndrome type 1. Last evaluated: 2018-01-13. Review status: criteria provided, single submitter. Criteria: ICSL Variant Classification Criteria 13 December 2019. Collection method: clinical testing. Allele origin: germline.
Comment: the same text as in the submission from Illumina Laboratory Services, Illumina above.

GeneDx
Classification: Benign. Last evaluated: 2015-03-03. Review status: criteria provided, single submitter. Criteria: GeneDx Variant Classification Process June 2021. Collection method: clinical testing. Allele origin: germline. Affected: yes.

Eurofins Ntd Llc (ga)
Classification: Benign. Last evaluated: 2014-11-07. Review status: criteria provided, single submitter. Criteria: EGL Classification Definitions 2015. Collection method: clinical testing. Allele origin: germline. Observed: 2 variant alleles, 2 heterozygotes.

Laboratory for Molecular Medicine, Mass General Brigham Personalized Medicine
Classification: Benign. Last evaluated: 2007-03-08. Review status: criteria provided, single submitter. Criteria: LMM Criteria. Collection method: clinical testing. Allele origin: germline. Observed: 1,364 variant alleles.

Breakthrough Genomics
Classification: Benign. Review status: criteria provided, single submitter. Criteria: ACMG Guidelines, 2015. Collection method: not provided. Allele origin: germline. Inheritance: Autosomal recessive inheritance. Affected: yes.

PreventionGenetics, part of Exact Sciences
Classification: Benign. Review status: criteria provided, single submitter. Criteria: ACMG Guidelines, 2015. Collection method: clinical testing. Allele origin: germline.

Natera, Inc.
Classification: Benign for Usher syndrome type 1B. Last evaluated: 2020-09-16. Review status: no assertion criteria provided. Collection method: clinical testing. Allele origin: germline. Not counted in ClinVar's aggregate classification.